The following is an entry in ClinVar:

NM_000171.4(GLRA1):c.117G>C (p.Ser39=)

Gene: GLRA1 (glycine receptor alpha 1; minus strand). Cytogenetic location: 5q33.1.
Variant type: single nucleotide variant.
Coding change: c.117G>C on transcript NM_000171.4 (MANE Select); coding-DNA position 117, G replaced by C.
Protein change: p.Ser39=; no amino-acid change (serine 39 retained).
Molecular consequence: synonymous variant. On other transcripts: intron variant (1).
Genome position (GRCh38, 1-based): chr5:151,892,378, C>G on the plus strand (G>C on the coding strand, the complement: GLRA1 is on the minus strand). VCF-style: chr5-151892378-C-G. GRCh37 (hg19) VCF-style: chr5-151271939-C-G.
Other names: c.117G>C, p.Ser39= (NM_001146040.2); c.-65-5590G>C (NM_001292000.2).
Identifiers: ClinVar variation 352321 (VCV000352321.20), dbSNP rs149023945, ClinGen allele CA3523770.
Genomic context (GRCh38, chr5:151,892,378, plus strand): 5'-ATTGGGCCTGATCCTGGCATCATATCCGGAGGTTCTCCCCATTAGCTTATCCAGGAAATC[C>G]GAGGGTGACATAGGCTTGGGTGCGGAGCGAGCAGCTTCAGCCTCCTTAGAAGCAGCAAGG-3'
Protein context (NP_000162.2, residues 29-49): ARSAPKPMSP[Ser39=]DFLDKLMGRT

ClinVar aggregate classification (germline): Benign/Likely benign. Review status: criteria provided, multiple submitters, no conflicts (2 of 4 stars). 5 submissions from 5 submitters: Benign (2); Likely benign (3). Last evaluated 2026-01-22.

Conditions:
Hereditary hyperekplexia. Identifiers: Orphanet 3197, MedGen C4084968, MONDO:0021022.
Hyperekplexia 1 (STHE). Also called: KOK DISEASE; STARTLE DISEASE, FAMILIAL; STIFF-BABY SYNDROME; STIFF-MAN SYNDROME, CONGENITAL; STIFF-PERSON SYNDROME, CONGENITAL; HYPEREKPLEXIA 1, AUTOSOMAL DOMINANT. Identifiers: Orphanet 3197, MedGen C4551954, MONDO:0007868, OMIM 149400.

Allele frequency attached by ClinVar (database versions not stated): 1000 Genomes Project 30x 0.00047; 1000 Genomes Project 0.00060; TOPMed 0.00129; ESP Exome Variant Server 0.00146; gnomAD 0.00191.
gnomAD v4.1: 2,854 of 1,613,946 alleles (0.18%); highest among the groups gnomAD compares: Middle Eastern, 0.31%; 3 homozygotes.

Submissions (5):

Labcorp Genetics (formerly Invitae), Labcorp
Classification: Benign for Hereditary hyperekplexia. Last evaluated: 2026-01-22. Review status: criteria provided, single submitter. Criteria: Invitae Variant Classification Sherloc (09022015). Collection method: clinical testing. Allele origin: germline.

Blueprint Genetics
Classification: Likely benign. Last evaluated: 2024-11-20. Review status: criteria provided, single submitter. Criteria: ACMG Guidelines, 2015. Collection method: clinical testing. Allele origin: germline.

GeneDx
Classification: Likely benign. Last evaluated: 2021-05-07. Review status: criteria provided, single submitter. Criteria: GeneDx Variant Classification Process June 2021. Collection method: clinical testing. Allele origin: germline. Affected: yes.

Illumina Laboratory Services, Illumina
Classification: Benign for Hyperekplexia 1. Last evaluated: 2018-01-12. Review status: criteria provided, single submitter. Criteria: ICSL Variant Classification Criteria 13 December 2019. Collection method: clinical testing. Allele origin: germline.
Comment: This variant was observed in the ICSL laboratory as part of a predisposition screen in an ostensibly healthy population. It had not been previously curated by ICSL or reported in the Human Gene Mutation Database (HGMD: prior to June 1st, 2018), and was therefore a candidate for classification through an automated scoring system. Utilizing variant allele frequency, disease prevalence and penetrance estimates, and inheritance mode, an automated score was calculated to assess if this variant is too frequent to cause the disease. Based on the score and internal cut-off values, a variant classified as benign is not then subjected to further curation. The score for this variant resulted in a classification of benign for this disease.

Breakthrough Genomics
Classification: Likely benign. Review status: criteria provided, single submitter. Criteria: ACMG Guidelines, 2015. Collection method: not provided. Allele origin: germline. Inheritance: Autosomal dominant inheritance. Affected: yes.